The following is an entry in ClinVar:

NM_000135.4(FANCA):c.727G>C (p.Val243Leu)

Gene: FANCA (FA complementation group A; minus strand). Cytogenetic location: 16q24.3.
Variant type: single nucleotide variant.
Coding change: c.727G>C on transcript NM_000135.4 (MANE Select); coding-DNA position 727, G replaced by C.
Protein change: p.Val243Leu; replaces valine 243 with leucine.
Molecular consequence: missense variant.
Genome position (GRCh38, 1-based): chr16:89,803,324, C>G on the plus strand (G>C on the coding strand, the complement: FANCA is on the minus strand). VCF-style: chr16-89803324-C-G. GRCh37 (hg19) VCF-style: chr16-89869732-C-G.
Other names: c.727G>C, p.Val243Leu (NM_001018112.3, NM_001286167.3); c.631G>C, p.Val211Leu (NM_001351830.2); short protein forms V211L, V243L.
Identifiers: ClinVar variation 3848221 (VCV003848221.1).

ClinVar aggregate classification (germline): Uncertain significance (1 of 4 stars; one submission).

Conditions:
Inborn genetic diseases. Identifiers: MedGen C0950123, MeSH D030342.

Submission:

Ambry Genetics
Classification: Uncertain significance for Inborn genetic diseases. Last evaluated: 2025-02-09. Review status: criteria provided, single submitter. Criteria: Ambry Variant Classification Scheme 2023. Collection method: clinical testing. Allele origin: germline.
Comment: The p.V243L variant (also known as c.727G>C), located in coding exon 8 of the FANCA gene, results from a G to C substitution at nucleotide position 727. The valine at codon 243 is replaced by leucine, an amino acid with highly similar properties. This amino acid position is conserved. In addition, this alteration is predicted to be tolerated by in silico analysis. Based on the available evidence, the clinical significance of this variant remains unclear.